The following is an entry in ClinVar:

NM_000152.5(GAA):c.1591dup (p.Asp531fs)

Gene: GAA (alpha glucosidase; plus strand). Cytogenetic location: 17q25.3.
Variant type: Duplication.
Coding change: c.1591dup on transcript NM_000152.5 (MANE Select); coding-DNA position 1591, one base duplicated (G; older notation c.1591dupG).
Protein change: p.Asp531fs; shifts the reading frame from aspartic acid 531.
Molecular consequence: frameshift variant.
Genome position (GRCh38, 1-based): chr17:80,110,980, G duplicated; the last of 2 consecutive G bases (chr17:80,110,979-80,110,980); duplicating either gives the same sequence. VCF-style (leftmost placement, unchanged base first): chr17-80110978-A-AG. GRCh37 (hg19) VCF-style: chr17-78084777-A-AG.
Other names: c.1591dup, p.Asp531fs (NM_001406742.1, NM_001079803.3, NM_001079804.3 and 1 more transcripts); short protein forms D531fs.
Identifiers: ClinVar variation 4876476 (VCV004876476.1).
Genomic context (GRCh38, chr17:80,110,978, plus strand): 5'-TACCAGCAGCGCTTCTCTTGCAGGACATGAACGAGCCTTCCAACTTCATCAGGGGCTCTG[A>AG]GGACGGCTGCCCCAACAATGAGCTGGAGAACCCACCCTACGTGCCTGGTCAGCTCGCCCC-3'

ClinVar aggregate classification (germline): Pathogenic (1 of 4 stars; one submission).

Conditions:
Glycogen storage disease, type II (IOPD). Also called: Pompe Disease; CARDIOMEGALIA GLYCOGENICA DIFFUSA; GLYCOGENOSIS, GENERALIZED, CARDIAC FORM; GSD II; POMPE DISEASE, INFANTILE-ONSET; GLYCOGEN STORAGE DISEASE II, INFANTILE-ONSET. Identifiers: Orphanet 365, MedGen C0017921, MONDO:0009290, OMIM 232300.

Submission:

Genomenon, Inc
Classification: Pathogenic for Glycogen storage disease, type II. Last evaluated: 2026-07-01. Review status: criteria provided, single submitter. Criteria: Genomenon Sequence Variant Interpretation Standards - Updated. Collection method: curation. Allele origin: germline. Affected: yes.
Comment: GAA p.Asp531GlyfsTer7 (c.1591dup) is a frameshift variant that is predicted to introduce a premature termination codon and result in a truncated or absent protein product. This variant has been observed in at least one proband with a GAA-related disorder (PMID:31606152). It is absent or not present at a significant frequency in gnomAD. In conclusion, we classify GAA p.Asp531GlyfsTer7 (c.1591dup) as a pathogenic variant.

Literature cited by the submitters: PubMed 31606152.